The following is an entry in ClinVar:

NM_000535.7(PMS2):c.1300C>G (p.Pro434Ala)

Gene: PMS2 (PMS1 homolog 2, mismatch repair system component; minus strand). Cytogenetic location: 7p22.1.
Variant type: single nucleotide variant.
Coding change: c.1300C>G on transcript NM_000535.7 (MANE Select); coding-DNA position 1300, C replaced by G.
Protein change: p.Pro434Ala; replaces proline 434 with alanine.
Molecular consequence: missense variant. On other transcripts: non-coding transcript variant (1), intron variant (1).
Genome position (GRCh38, 1-based): chr7:5,987,465, G>C on the plus strand (C>G on the coding strand, the complement: PMS2 is on the minus strand). VCF-style: chr7-5987465-G-C. GRCh37 (hg19) VCF-style: chr7-6027096-G-C.
Other names: c.895C>G, p.Pro299Ala (NM_001322003.2, NM_001322004.2, NM_001322005.2 and 16 more transcripts); c.1144C>G, p.Pro382Ala (NM_001322006.2, NM_001406870.1); c.982C>G, p.Pro328Ala (NM_001322007.2, NM_001322008.2, NM_001406876.1 and 2 more transcripts); c.739C>G, p.Pro247Ala (NM_001322010.2, NM_001406906.1, NM_001406907.1); c.367C>G, p.Pro123Ala (NM_001322011.2, NM_001322012.2); c.727C>G, p.Pro243Ala (NM_001322013.2, NM_001406909.1); c.1300C>G, p.Pro434Ala (NM_001322014.2, NM_001406871.1, NM_001406872.1); c.991C>G, p.Pro331Ala (NM_001322015.2, NM_001406875.1, NM_001406877.1 and 5 more transcripts); and 13 more; short protein forms P123A, P177A, P243A, P247A, P263A, P276A, P279A, P299A.
Identifiers: ClinVar variation 4758798 (VCV004758798.1).

ClinVar aggregate classification (germline): Uncertain significance (1 of 4 stars; one submission).

Conditions:
Hereditary cancer-predisposing syndrome. Also called: Neoplastic Syndromes, Hereditary; Hereditary neoplastic syndrome; Tumor predisposition; Hereditary Cancer Syndrome. Identifiers: Orphanet 140162, MedGen C0027672, MeSH D009386, MONDO:0015356.

Submission:

Color Diagnostics, LLC DBA Color Health
Classification: Uncertain significance for Hereditary cancer-predisposing syndrome. Last evaluated: 2025-06-17. Review status: criteria provided, single submitter. Criteria: ACMG Guidelines, 2015. Collection method: clinical testing. Allele origin: germline.
Comment: This missense variant replaces proline with alanine at codon 434 of the PMS2 protein. Computational prediction suggests that this variant may not impact protein structure and function. To our knowledge, functional studies have not been reported for this variant. This variant has not been reported in individuals affected with PMS2-related disorders in the literature. This variant has not been identified in the general population by the Genome Aggregation Database (gnomAD). The available evidence is insufficient to determine the role of this variant in disease conclusively. Therefore, this variant is classified as a Variant of Uncertain Significance.